The following is an entry in ClinVar:

NM_004563.4(PCK2):c.706_707del (p.Leu236fs)

Genes: NRL (neural retina leucine zipper; minus strand), PCK2 (phosphoenolpyruvate carboxykinase 2, mitochondrial; plus strand). Cytogenetic location: 14q11.2.
Variant type: Deletion.
Coding change: c.706_707del on transcript NM_004563.4 (MANE Select); coding-DNA positions 706 to 707, 2 bases deleted (CT; older notation c.706_707delCT).
Protein change: p.Leu236fs; shifts the reading frame from leucine 236.
Molecular consequence: frameshift variant. On other transcripts: intron variant (3).
Genome position (GRCh38, 1-based): chr14:24,099,090-24,099,091, CT deleted. VCF-style (leftmost placement, unchanged base first): chr14-24099089-CCT-C. GRCh37 (hg19) VCF-style: chr14-24568298-CCT-C.
Other names: c.706_707del, p.Leu236fs (NM_001018073.3); c.304_305del, p.Leu102fs (NM_001291556.2, NM_001308054.2); c.-28+15631_-28+15632del (NM_001354768.3, NM_001354770.2); c.-253-14346_-253-14345del (NM_006177.5); short protein forms L102fs, L236fs.
Identifiers: ClinVar variation 1447213 (VCV001447213.8), dbSNP rs2138953538, ClinGen allele CA2507268965.

ClinVar aggregate classification (germline): Uncertain significance (1 of 4 stars; one submission).

Submission:

Labcorp Genetics (formerly Invitae), Labcorp
Classification: Uncertain significance. Last evaluated: 2022-08-16. Review status: criteria provided, single submitter. Criteria: Invitae Variant Classification Sherloc (09022015). Collection method: clinical testing. Allele origin: germline.
Comment: In summary, the available evidence is currently insufficient to determine the role of this variant in disease. Therefore, it has been classified as a Variant of Uncertain Significance. This sequence change creates a premature translational stop signal (p.Leu236Aspfs*40) in the PCK2 gene. It is expected to result in an absent or disrupted protein product. However, the current clinical and genetic evidence is not sufficient to establish whether loss-of-function variants in PCK2 cause disease. This variant is not present in population databases (gnomAD no frequency). This variant has not been reported in the literature in individuals affected with PCK2-related conditions. ClinVar contains an entry for this variant (Variation ID: 1447213).